The following is an entry in ClinVar:

NM_003265.3(TLR3):c.2072T>C (p.Phe691Ser)

Gene: TLR3 (toll like receptor 3; plus strand). Cytogenetic location: 4q35.1.
Variant type: single nucleotide variant.
Coding change: c.2072T>C on transcript NM_003265.3 (MANE Select); coding-DNA position 2072, T replaced by C.
Protein change: p.Phe691Ser; replaces phenylalanine 691 with serine.
Molecular consequence: missense variant.
Genome position (GRCh38, 1-based): chr4:186,083,758, T>C. VCF-style: chr4-186083758-T-C. GRCh37 (hg19) VCF-style: chr4-187004912-T-C.
Other names: short protein forms F691S.
Identifiers: ClinVar variation 1401651 (VCV001401651.8), dbSNP rs1283056640, ClinGen allele CA358934883.

ClinVar aggregate classification (germline): Uncertain significance (1 of 4 stars; one submission).

Conditions:
Encephalopathy, acute, infection-induced (herpes-specific), susceptibility to, 1. Also called: Herpes simplex encephalitis, susceptibility to, 1. Identifiers: Orphanet 1930, MedGen C2750180, MONDO:0024563, OMIM 610551.

Allele frequency attached by ClinVar (database versions not stated): gnomAD 0.00001.
gnomAD v4.1: 1 of 1,613,852 alleles (0.000062%); highest among the groups gnomAD compares: Non-Finnish European, 0.000085%; no homozygotes.

Submission:

Labcorp Genetics (formerly Invitae), Labcorp
Classification: Uncertain significance for Encephalopathy, acute, infection-induced (herpes-specific), susceptibility to, 1. Last evaluated: 2022-10-13. Review status: criteria provided, single submitter. Criteria: Invitae Variant Classification Sherloc (09022015). Collection method: clinical testing. Allele origin: germline.
Comment: Algorithms developed to predict the effect of missense changes on protein structure and function (SIFT, PolyPhen-2, Align-GVGD) all suggest that this variant is likely to be disruptive. ClinVar contains an entry for this variant (Variation ID: 1401651). This variant has not been reported in the literature in individuals affected with TLR3-related conditions. This variant is present in population databases (no rsID available, gnomAD 0.007%). This sequence change replaces phenylalanine, which is neutral and non-polar, with serine, which is neutral and polar, at codon 691 of the TLR3 protein (p.Phe691Ser). In summary, the available evidence is currently insufficient to determine the role of this variant in disease. Therefore, it has been classified as a Variant of Uncertain Significance.